The following is an entry in ClinVar:

ClinVar aggregate classification (germline): Uncertain significance (1 of 4 stars; one submission).

Allele frequency attached by ClinVar (database versions not stated): gnomAD exomes below 0.00001.
gnomAD v4.1: 2 of 1,613,608 alleles (0.00012%); highest among the groups gnomAD compares: Non-Finnish European, 0.00017%; no homozygotes.

Submission:

Labcorp Genetics (formerly Invitae), Labcorp
Classification: Uncertain significance. Last evaluated: 2023-07-17. Review status: criteria provided, single submitter. Criteria: Invitae Variant Classification Sherloc (09022015). Collection method: clinical testing. Allele origin: germline.
Comment: This sequence change replaces aspartic acid, which is acidic and polar, with asparagine, which is neutral and polar, at codon 597 of the CLCN6 protein (p.Asp597Asn). This variant is not present in population databases (gnomAD no frequency). This variant has not been reported in the literature in individuals affected with CLCN6-related conditions. An algorithm developed to predict the effect of missense changes on protein structure and function (PolyPhen-2) suggests that this variant is likely to be disruptive. In summary, the available evidence is currently insufficient to determine the role of this variant in disease. Therefore, it has been classified as a Variant of Uncertain Significance.

NM_001286.5(CLCN6):c.1789G>A (p.Asp597Asn)

Gene: CLCN6 (chloride voltage-gated channel 6; plus strand). Cytogenetic location: 1p36.22.
Variant type: single nucleotide variant.
Coding change: c.1789G>A on transcript NM_001286.5 (MANE Select); coding-DNA position 1789, G replaced by A.
Protein change: p.Asp597Asn; replaces aspartic acid 597 with asparagine.
Molecular consequence: missense variant. On other transcripts: non-coding transcript variant (1).
Genome position (GRCh38, 1-based): chr1:11,834,586, G>A. VCF-style: chr1-11834586-G-A. GRCh37 (hg19) VCF-style: chr1-11894643-G-A.
Other names: c.1723G>A, p.Asp575Asn (NM_001256959.2); short protein forms D575N, D597N.
Identifiers: ClinVar variation 2821162 (VCV002821162.3), dbSNP rs2523158425, ClinGen allele CA338436311.